The following is an entry in ClinVar:

NM_018089.3(ANKZF1):c.2093T>C (p.Leu698Pro)

Gene: ANKZF1 (ankyrin repeat and zinc finger peptidyl tRNA hydrolase 1; plus strand). Cytogenetic location: 2q35.
Variant type: single nucleotide variant.
Coding change: c.2093T>C on transcript NM_018089.3 (MANE Select); coding-DNA position 2093, T replaced by C.
Protein change: p.Leu698Pro; replaces leucine 698 with proline.
Molecular consequence: missense variant.
Genome position (GRCh38, 1-based): chr2:219,236,357, T>C. VCF-style: chr2-219236357-T-C. GRCh37 (hg19) VCF-style: chr2-220101079-T-C.
Other names: c.2093T>C, p.Leu698Pro (NM_001042410.2); c.1463T>C, p.Leu488Pro (NM_001282792.2); short protein forms L488P, L698P.
Identifiers: ClinVar variation 3620231 (VCV003620231.2).

ClinVar aggregate classification (germline): Uncertain significance (1 of 4 stars; one submission).

Submission:

Labcorp Genetics (formerly Invitae), Labcorp
Classification: Uncertain significance. Last evaluated: 2024-10-22. Review status: criteria provided, single submitter. Criteria: Invitae Variant Classification Sherloc (09022015). Collection method: clinical testing. Allele origin: germline.
Comment: This sequence change replaces leucine, which is neutral and non-polar, with proline, which is neutral and non-polar, at codon 698 of the ANKZF1 protein (p.Leu698Pro). This variant is present in population databases (no rsID available, gnomAD 0.007%). This variant has not been reported in the literature in individuals affected with ANKZF1-related conditions. An algorithm developed to predict the effect of missense changes on protein structure and function (PolyPhen-2) suggests that this variant is likely to be disruptive. In summary, the available evidence is currently insufficient to determine the role of this variant in disease. Therefore, it has been classified as a Variant of Uncertain Significance.